The following is an entry in ClinVar:

ClinVar aggregate classification (germline): Likely pathogenic (1 of 4 stars; one submission).

Conditions:
Duchenne muscular dystrophy (DMD). Also called: Duchenne Muscular Dystrophy (DMD); MUSCULAR DYSTROPHY, PSEUDOHYPERTROPHIC PROGRESSIVE, DUCHENNE TYPE. Identifiers: Orphanet 98896, MedGen C0013264, MONDO:0010679, OMIM 310200.

Submission:

Genelabs Medical  (pvt) Ltd
Classification: Likely pathogenic for Duchenne muscular dystrophy. Last evaluated: 2026-08-03. Review status: criteria provided, single submitter. Criteria: ACMG Guidelines, 2015. Collection method: clinical testing. Allele origin: germline. Inheritance: X-linked recessive inheritance. Affected: yes. Observed: 1 hemizygote.
Comment: The frameshift deletion NM_004006.3(DMD):c.1274delA (p.Asn425Ilefs*3) is absent from major population databases, including gnomAD (v.4.1.0), suggesting it is not observed in the general population. This variant is predicted to cause loss of normal protein function through protein truncation caused by a frameshift mutation. The frame shifted sequence continues 3 residues until a stop codon is reached. This variant is a frameshift variant which occurs in an exon of DMD upstream of where nonsense mediated decay is predicted to occur. There are 1548 downstream pathogenic loss of function variants, with the furthest variant being 3194 residues downstream of this variant. This indicates that the region is critical to protein function. The gene DMD has a low rate of benign loss of function variants as indicated by a low upper bound of the observed/expected confidence interval 0.15. The p.Asn425Ilefs*3 variant is a loss of function variant in the gene DMD, which is intolerant of Loss of Function variants, as indicated by the presence of existing pathogenic loss of function variant NP_003997.2:p.W3* and 1569 others. For these reasons, this variant has been classified as Likely Pathogenic. (PVS1, PM2_Supporting)

NM_004006.3(DMD):c.1274del (p.Asn425fs)

Gene: DMD (dystrophin; minus strand). Cytogenetic location: Xp21.1.
Variant type: Deletion.
Coding change: c.1274del on transcript NM_004006.3 (MANE Select); coding-DNA position 1274, one base deleted (A; older notation c.1274delA).
Protein change: p.Asn425fs; shifts the reading frame from asparagine 425.
Molecular consequence: frameshift variant.
Genome position (GRCh38, 1-based): chrX:32,644,189, T deleted on the plus strand (A on the coding strand, the reverse complement: DMD is on the minus strand); the first of 2 consecutive T bases (chrX:32,644,189-32,644,190); deleting either gives the same sequence. VCF-style (leftmost placement, unchanged base first): chrX-32644188-AT-A. GRCh37 (hg19) VCF-style: chrX-32662305-AT-A.
Other names: c.1250del, p.Asn417fs (NM_000109.4); c.1262del, p.Asn421fs (NM_004009.3); c.905del, p.Asn302fs (NM_004010.3); short protein forms N302fs, N417fs, N421fs, N425fs.
Identifiers: ClinVar variation 4888234 (VCV004888234.1).